The following is an entry in ClinVar:

NM_004036.5(ADCY3):c.3308G>A (p.Arg1103Gln)

Genes: ADCY3 (adenylate cyclase 3; minus strand), CENPO (centromere protein O; plus strand). Cytogenetic location: 2p23.3.
Variant type: single nucleotide variant.
Coding change: c.3308G>A on transcript NM_004036.5 (MANE Select); coding-DNA position 3308, G replaced by A.
Protein change: p.Arg1103Gln; replaces arginine 1103 with glutamine.
Molecular consequence: missense variant. On other transcripts: 3 prime UTR variant (4), non-coding transcript variant (3).
Genome position (GRCh38, 1-based): chr2:24,820,059, C>T on the plus strand (G>A on the coding strand, the complement: ADCY3 is on the minus strand). VCF-style: chr2-24820059-C-T. GRCh37 (hg19) VCF-style: chr2-25042928-C-T.
Other names: c.3311G>A, p.Arg1104Gln (NM_001320613.2); c.3374G>A, p.Arg1125Gln (NM_001377128.1); c.3170G>A, p.Arg1057Gln (NM_001377129.1); c.*49G>A (NM_001377130.1); c.2585G>A, p.Arg862Gln (NM_001377131.1); c.3308G>A, p.Arg1103Gln (NM_001377132.1); c.*741C>T (NM_001199803.3, NM_001322101.2, NM_024322.4); short protein forms R1125Q, R1057Q, R1103Q, R1104Q, R862Q.
Identifiers: ClinVar variation 4989174 (VCV004989174.1).
Genomic context (GRCh38, chr2:24,820,059, plus strand): 5'-TCCCGCCCCTTCAAGAAGAAGGTCAGCAGCTCCCCCTTCCCCTTCACAAAGATGGGGCCT[C>T]GCCTCACAAAGCGGAAGCCGTACTCTCGGAGGATGACTTGGGTTTCTTCTACCACCTGGA-3'
Protein context (NP_004027.2, residues 1093-1113): LREYGFRFVR[Arg1103Gln]GPIFVKGKGE

ClinVar aggregate classification (germline): Uncertain significance (1 of 4 stars; one submission).

Conditions:
ADCY3-related disorder. Also called: ADCY3-related condition.

gnomAD v4.1: 7 of 1,595,918 alleles (0.00044%); highest among the groups gnomAD compares: Non-Finnish European, 0.0006%; no homozygotes.

Submission:

PreventionGenetics, part of Exact Sciences
Classification: Uncertain significance for ADCY3-related condition. Last evaluated: 2026-05-08. Review status: criteria provided, single submitter. Criteria: ACMG Guidelines, 2015. Collection method: clinical testing. Allele origin: germline.
Comment: The ADCY3 c.3311G>A variant is predicted to result in the amino acid substitution p.Arg1104Gln. To our knowledge, this variant has not been reported in the literature. This variant is reported in 0.00095% of alleles in individuals of European (Non-Finnish) descent in gnomAD. At this time, the clinical significance of this variant is uncertain due to the absence of conclusive functional and genetic evidence.